The following is an entry in ClinVar:

NM_001031689.3(PLAA):c.475A>T (p.Ile159Phe)

Gene: PLAA (phospholipase A2 activating protein; minus strand). Cytogenetic location: 9p21.2.
Variant type: single nucleotide variant.
Coding change: c.475A>T on transcript NM_001031689.3 (MANE Select); coding-DNA position 475, A replaced by T.
Protein change: p.Ile159Phe; replaces isoleucine 159 with phenylalanine.
Molecular consequence: missense variant.
Genome position (GRCh38, 1-based): chr9:26,928,190, T>A on the plus strand (A>T on the coding strand, the complement: PLAA is on the minus strand). VCF-style: chr9-26928190-T-A. GRCh37 (hg19) VCF-style: chr9-26928188-T-A.
Other names: c.475A>T, p.Ile159Phe (NM_001321546.2); short protein forms I159F.
Identifiers: ClinVar variation 2014799 (VCV002014799.4), dbSNP rs2489209966, ClinGen allele CA373134021.
Genomic context (GRCh38, chr9:26,928,190, plus strand): 5'-TCCACAGTTTAACAGTCTTGTCTGCTGATCCAGTCAACATTAAGCCCTGTTCAGGTAAGA[T>A]CTTTACCGCCCACACTGCAGCTGTATGACCCTGTGAGTAAAATGAGTATCAATTTAAGTT-3'
Protein context (NP_001026859.1, residues 149-169): GHTAAVWAVK[Ile159Phe]LPEQGLMLTG

ClinVar aggregate classification (germline): Uncertain significance (1 of 4 stars; one submission).

Submission:

Labcorp Genetics (formerly Invitae), Labcorp
Classification: Uncertain significance. Last evaluated: 2022-07-06. Review status: criteria provided, single submitter. Criteria: Invitae Variant Classification Sherloc (09022015). Collection method: clinical testing. Allele origin: germline.
Comment: This sequence change replaces isoleucine, which is neutral and non-polar, with phenylalanine, which is neutral and non-polar, at codon 159 of the PLAA protein (p.Ile159Phe). This variant is not present in population databases (gnomAD no frequency). In summary, the available evidence is currently insufficient to determine the role of this variant in disease. Therefore, it has been classified as a Variant of Uncertain Significance. Algorithms developed to predict the effect of missense changes on protein structure and function are either unavailable or do not agree on the potential impact of this missense change (SIFT: "Tolerated"; PolyPhen-2: "Possibly Damaging"; Align-GVGD: "Class C0"). This variant has not been reported in the literature in individuals affected with PLAA-related conditions.